The following is an entry in ClinVar:

NM_173630.4(RTTN):c.3808A>G (p.Met1270Val)

Gene: RTTN (rotatin; minus strand). Cytogenetic location: 18q22.2.
Variant type: single nucleotide variant.
Coding change: c.3808A>G on transcript NM_173630.4 (MANE Select); coding-DNA position 3808, A replaced by G.
Protein change: p.Met1270Val; replaces methionine 1270 with valine.
Molecular consequence: missense variant.
Genome position (GRCh38, 1-based): chr18:70,109,593, T>C on the plus strand (A>G on the coding strand, the complement: RTTN is on the minus strand). VCF-style: chr18-70109593-T-C. GRCh37 (hg19) VCF-style: chr18-67776829-T-C.
Other names: c.1072A>G, p.Met358Val (NM_001318520.2); short protein forms M1270V, M358V.
Identifiers: ClinVar variation 2416563 (VCV002416563.6), dbSNP rs747324024, ClinGen allele CA8995489.

ClinVar aggregate classification (germline): Uncertain significance (1 of 4 stars; one submission).

Allele frequency attached by ClinVar (database versions not stated): gnomAD exomes 0.00001; ExAC 0.00003.

Submission:

Labcorp Genetics (formerly Invitae), Labcorp
Classification: Uncertain significance. Last evaluated: 2021-12-19. Review status: criteria provided, single submitter. Criteria: Invitae Variant Classification Sherloc (09022015). Collection method: clinical testing. Allele origin: germline.
Comment: This sequence change replaces methionine, which is neutral and non-polar, with valine, which is neutral and non-polar, at codon 1270 of the RTTN protein (p.Met1270Val). This variant is present in population databases (rs747324024, gnomAD 0.02%). In summary, the available evidence is currently insufficient to determine the role of this variant in disease. Therefore, it has been classified as a Variant of Uncertain Significance. Algorithms developed to predict the effect of missense changes on protein structure and function are either unavailable or do not agree on the potential impact of this missense change (SIFT: "Deleterious"; PolyPhen-2: "Probably Damaging"; Align-GVGD: "Class C0"). This variant has not been reported in the literature in individuals affected with RTTN-related conditions.